The following is an entry in ClinVar:

NM_177972.3(TUB):c.44T>C (p.Leu15Ser)

Gene: TUB (TUB bipartite transcription factor; plus strand). Cytogenetic location: 11p15.4.
Variant type: single nucleotide variant.
Coding change: c.44T>C on transcript NM_177972.3 (MANE Select); coding-DNA position 44, T replaced by C.
Protein change: p.Leu15Ser; replaces leucine 15 with serine.
Molecular consequence: missense variant.
Genome position (GRCh38, 1-based): chr11:8,089,615, T>C. VCF-style: chr11-8089615-T-C. GRCh37 (hg19) VCF-style: chr11-8111162-T-C.
Other names: c.209T>C, p.Leu70Ser (NM_003320.5); short protein forms L15S, L70S.
Identifiers: ClinVar variation 1394076 (VCV001394076.6), dbSNP rs2133832163, ClinGen allele CA379562256.
Genomic context (GRCh38, chr11:8,089,615, plus strand): 5'-TGTATATCCTGGCACCTCACGGGCAAGCCCTGAAAACCCCTCTTTCGCTCTGCAGTGTCT[T>C]AGATGATGAGGGCAGAAACCTGAGGCAGCAGAAGCTTGATCGGCAGGTGAGTAGGCCTGG-3'
Protein context (NP_813977.1, residues 5-25): PHSDWIPYSV[Leu15Ser]DDEGRNLRQQ

ClinVar aggregate classification (germline): Uncertain significance (1 of 4 stars; one submission).

Allele frequency attached by ClinVar (database versions not stated): gnomAD exomes below 0.00001.
gnomAD v4.1: 1 of 1,614,160 alleles (0.000062%); highest among the groups gnomAD compares: Non-Finnish European, 0.000085%; no homozygotes.

Submission:

Labcorp Genetics (formerly Invitae), Labcorp
Classification: Uncertain significance. Last evaluated: 2022-08-09. Review status: criteria provided, single submitter. Criteria: Invitae Variant Classification Sherloc (09022015). Collection method: clinical testing. Allele origin: germline.
Comment: This sequence change replaces leucine, which is neutral and non-polar, with serine, which is neutral and polar, at codon 70 of the TUB protein (p.Leu70Ser). This variant is not present in population databases (gnomAD no frequency). In summary, the available evidence is currently insufficient to determine the role of this variant in disease. Therefore, it has been classified as a Variant of Uncertain Significance. Algorithms developed to predict the effect of sequence changes on RNA splicing suggest that this variant may create or strengthen a splice site. Algorithms developed to predict the effect of missense changes on protein structure and function are either unavailable or do not agree on the potential impact of this missense change (SIFT: "Deleterious"; PolyPhen-2: "Probably Damaging"; Align-GVGD: "Class C0"). ClinVar contains an entry for this variant (Variation ID: 1394076). This variant has not been reported in the literature in individuals affected with TUB-related conditions.